The following is an entry in ClinVar:

ClinVar aggregate classification (germline): Conflicting classifications of pathogenicity. Review status: criteria provided, conflicting classifications (1 of 4 stars). 2 submissions from 2 submitters: Uncertain significance (1); Likely benign (1). Last evaluated 2023-01-19.

Conditions:
Cardiovascular phenotype. Identifiers: MedGen CN230736.

Allele frequency attached by ClinVar (database versions not stated): gnomAD exomes below 0.00001.
gnomAD v4.1: 2 of 1,612,814 alleles (0.00012%); highest among the groups gnomAD compares: Non-Finnish European, 0.00017%; no homozygotes.

Submissions (2):

Labcorp Genetics (formerly Invitae), Labcorp
Classification: Uncertain significance. Last evaluated: 2023-01-19. Review status: criteria provided, single submitter. Criteria: Invitae Variant Classification Sherloc (09022015). Collection method: clinical testing. Allele origin: germline.
Comment: This variant has not been reported in the literature in individuals affected with MFAP5-related conditions. In summary, the available evidence is currently insufficient to determine the role of this variant in disease. Therefore, it has been classified as a Variant of Uncertain Significance. Algorithms developed to predict the effect of sequence changes on RNA splicing suggest that this variant may disrupt the consensus splice site. This variant is not present in population databases (gnomAD no frequency). This sequence change affects codon 29 of the MFAP5 mRNA. It is a 'silent' change, meaning that it does not change the encoded amino acid sequence of the MFAP5 protein.

Ambry Genetics
Classification: Likely benign for Cardiovascular phenotype. Last evaluated: 2022-11-28. Review status: criteria provided, single submitter. Criteria: Ambry Variant Classification Scheme 2023. Collection method: clinical testing. Allele origin: germline.

NM_003480.4(MFAP5):c.87A>G (p.Gln29=)

Gene: MFAP5 (microfibril associated protein 5; minus strand). Cytogenetic location: 12p13.31.
Variant type: single nucleotide variant.
Coding change: c.87A>G on transcript NM_003480.4 (MANE Select); coding-DNA position 87, A replaced by G.
Protein change: p.Gln29=; no amino-acid change (glutamine 29 retained).
Molecular consequence: synonymous variant. On other transcripts: non-coding transcript variant (2), intron variant (1).
Genome position (GRCh38, 1-based): chr12:8,660,870, T>C on the plus strand (A>G on the coding strand, the complement: MFAP5 is on the minus strand). VCF-style: chr12-8660870-T-C. GRCh37 (hg19) VCF-style: chr12-8813466-T-C.
Other names: c.87A>G, p.Gln29= (NM_001297709.2, NM_001297711.2, NM_001297712.2); c.58+1177A>G (NM_001297710.2).
Identifiers: ClinVar variation 2448112 (VCV002448112.5), dbSNP rs2540311940, ClinGen allele CA478468155.